The following is an entry in ClinVar:

ClinVar aggregate classification (germline): Uncertain significance (1 of 4 stars; one submission).

Submission:

GeneDx
Classification: Uncertain significance. Last evaluated: 2025-05-01. Review status: criteria provided, single submitter. Criteria: GeneDx Variant Classification Process June 2021. Collection method: clinical testing. Allele origin: germline. Affected: yes.
Comment: Not observed at significant frequency in large population cohorts (gnomAD); In silico analysis supports that this missense variant has a deleterious effect on protein structure/function; Has not been previously published as pathogenic or benign to our knowledge

NM_005445.4(SMC3):c.328T>G (p.Phe110Val)

Gene: SMC3 (structural maintenance of chromosomes 3; plus strand). Cytogenetic location: 10q25.2.
Variant type: single nucleotide variant.
Coding change: c.328T>G on transcript NM_005445.4 (MANE Select); coding-DNA position 328, T replaced by G.
Protein change: p.Phe110Val; replaces phenylalanine 110 with valine.
Molecular consequence: missense variant.
Genome position (GRCh38, 1-based): chr10:110,577,892, T>G. VCF-style: chr10-110577892-T-G. GRCh37 (hg19) VCF-style: chr10-112337650-T-G.
Other names: short protein forms F110V.
Identifiers: ClinVar variation 4527675 (VCV004527675.1).